The following is an entry in ClinVar:

ClinVar aggregate classification (germline): Uncertain significance. Review status: criteria provided, multiple submitters, no conflicts (2 of 4 stars). 6 submissions from 6 submitters: Uncertain significance (6). Last evaluated 2026-05-22.

Conditions:
Charcot-Marie-Tooth disease type 4. Also called: Charcot-Marie-Tooth, Type 4; Charcot-Marie-Tooth disease, type IV. Identifiers: Orphanet 64749, MedGen C4082197, MONDO:0018995.
PRX-related disorder. Also called: PRX-related condition; PRX-Related Disorders.
Inborn genetic diseases. Identifiers: MedGen C0950123, MeSH D030342.
Charcot-Marie-Tooth disease type 4F. Also called: Charcot-Marie-Tooth disease, demyelinating, type 4F. Identifiers: Orphanet 99952, MedGen C3540453, MONDO:0013959, OMIM 614895.

Allele frequency attached by ClinVar (database versions not stated): ExAC 0.00003; gnomAD 0.00004; gnomAD exomes 0.00005 and 0.00006; TOPMed 0.00006.
gnomAD v4.1: 97 of 1,604,670 alleles (0.006%); highest among the groups gnomAD compares: East Asian, 0.013%; no homozygotes.

Submissions (6):

PreventionGenetics, part of Exact Sciences
Classification: Uncertain significance for PRX-related condition. Last evaluated: 2026-05-22. Review status: criteria provided, single submitter. Criteria: ACMG Guidelines, 2015. Collection method: clinical testing. Allele origin: germline.
Comment: The PRX c.4118G>A variant is predicted to result in the amino acid substitution p.Arg1373Gln. To our knowledge, this variant has not been reported in the literature. This variant is reported in 0.020% of alleles in individuals of East Asian descent in gnomAD. At this time, the clinical significance of this variant is uncertain due to the absence of conclusive functional and genetic evidence.

CeGaT Center for Human Genetics Tuebingen
Classification: Uncertain significance. Last evaluated: 2026-03-01. Review status: criteria provided, single submitter. Criteria: CeGaT Center For Human Genetics Tuebingen Variant Classification Criteria Version 2. Collection method: clinical testing. Allele origin: germline. Affected: yes. Observed: 1 variant allele.
Comment: PRX: PM2

Ambry Genetics
Classification: Uncertain significance for Inborn genetic diseases. Last evaluated: 2025-03-05. Review status: criteria provided, single submitter. Criteria: Ambry Variant Classification Scheme 2023. Collection method: clinical testing. Allele origin: germline.

Labcorp Genetics (formerly Invitae), Labcorp
Classification: Uncertain significance for Charcot-Marie-Tooth disease type 4. Last evaluated: 2021-12-12. Review status: criteria provided, single submitter. Criteria: Invitae Variant Classification Sherloc (09022015). Collection method: clinical testing. Allele origin: germline.
Comment: This sequence change replaces arginine, which is basic and polar, with glutamine, which is neutral and polar, at codon 1373 of the PRX protein (p.Arg1373Gln). This variant is present in population databases (rs763294661, gnomAD 0.02%). This variant has not been reported in the literature in individuals affected with PRX-related conditions. ClinVar contains an entry for this variant (Variation ID: 329247). Algorithms developed to predict the effect of missense changes on protein structure and function (SIFT, PolyPhen-2, Align-GVGD) all suggest that this variant is likely to be tolerated. Algorithms developed to predict the effect of sequence changes on RNA splicing suggest that this variant may create or strengthen a splice site. In summary, the available evidence is currently insufficient to determine the role of this variant in disease. Therefore, it has been classified as a Variant of Uncertain Significance.

Baylor Genetics
Classification: Uncertain significance for Charcot-Marie-Tooth disease type 4F. Last evaluated: 2019-02-18. Review status: criteria provided, single submitter. Criteria: ACMG Guidelines, 2015. Collection method: clinical testing. Allele origin: unknown. Affected: yes.
Comment: This variant was determined to be of uncertain significance according to ACMG Guidelines, 2015 [PMID:25741868].

Illumina Laboratory Services, Illumina
Classification: Uncertain significance for Charcot-Marie-Tooth disease type 4F. Last evaluated: 2018-01-12. Review status: criteria provided, single submitter. Criteria: ICSL Variant Classification Criteria 13 December 2019. Collection method: clinical testing. Allele origin: germline.

NM_181882.3(PRX):c.4118G>A (p.Arg1373Gln)

Gene: PRX (periaxin; minus strand). Cytogenetic location: 19q13.2.
Variant type: single nucleotide variant.
Coding change: c.4118G>A on transcript NM_181882.3 (MANE Select); coding-DNA position 4118, G replaced by A.
Protein change: p.Arg1373Gln; replaces arginine 1373 with glutamine.
Molecular consequence: missense variant. On other transcripts: 3 prime UTR variant (1).
Genome position (GRCh38, 1-based): chr19:40,394,234, C>T on the plus strand (G>A on the coding strand, the complement: PRX is on the minus strand). VCF-style: chr19-40394234-C-T. GRCh37 (hg19) VCF-style: chr19-40900141-C-T.
Other names: c.*4323G>A (NM_020956.2); short protein forms R1373Q.
Identifiers: ClinVar variation 329247 (VCV000329247.18), dbSNP rs763294661, ClinGen allele CA9443691.
Genomic context (GRCh38, chr19:40,394,234, plus strand): 5'-TGCCCCCGAGAGGCTTTAGAAGGGGCCGCCAGGCCTACACGTGGCAAGCGGACCCGGACC[C>T]GGCCCCGGCGACCCGAGGCCCCTTCCCCACTGCCCTCTTCCTCCTCCTCCTCCTCCTCCT-3'
Protein context (NP_870998.2, residues 1363-1383): SGEGASGRRG[Arg1373Gln]VRVRLPRVGL